The following is an entry in ClinVar:

ClinVar aggregate classification (germline): Pathogenic/Likely pathogenic. Review status: criteria provided, multiple submitters, no conflicts (2 of 4 stars). 8 submissions from 8 submitters: Pathogenic (4); Likely pathogenic (3). 1 of the submissions does not count toward it. Last evaluated 2026-08-12.

Conditions:
Cardiovascular phenotype. Identifiers: MedGen CN230736.
Walker-Warburg congenital muscular dystrophy. Also called: Muscular dystrophy-dystroglycanopathy, type A; Walker-Warburg syndrome. Identifiers: Orphanet 899, MedGen C0265221, MONDO:0000171.
Muscular dystrophy-dystroglycanopathy (congenital with brain and eye anomalies), type A5. Also called: WALKER-WARBURG SYNDROME OR MUSCLE-EYE-BRAIN DISEASE, FKRP-RELATED; MUSCULAR DYSTROPHY-DYSTROGLYCANOPATHY (CONGENITAL WITH BRAIN AND EYE ANOMALIES), TYPE A, 5. Identifiers: Orphanet 588, Orphanet 899, MedGen C3150413, MONDO:0013157, OMIM 613153.
Muscular dystrophy-dystroglycanopathy type B5 (MDDGB5). Also called: MUSCULAR DYSTROPHY-DYSTROGLYCANOPATHY (CONGENITAL WITH OR WITHOUT IMPAIRED INTELLECTUAL DEVELOPMENT), TYPE B, 5; MUSCULAR DYSTROPHY, CONGENITAL, 1C; MUSCULAR DYSTROPHY, CONGENITAL, FKRP-RELATED. Identifiers: MedGen C1847759, MONDO:0011688, OMIM 606612.
Autosomal recessive limb-girdle muscular dystrophy type 2I. Also called: MUSCULAR DYSTROPHY-DYSTROGLYCANOPATHY (LIMB-GIRDLE), TYPE C, 5; MUSCULAR DYSTROPHY, LIMB-GIRDLE, TYPE 2I; MUSCULAR DYSTROPHY-DYSTROGLYCANOPATHY, LIMB-GIRDLE, FRKP-RELATED. Identifiers: Orphanet 34515, MedGen C1846672, MONDO:0011787, OMIM 607155.
Muscular dystrophy-dystroglycanopathy (congenital with brain and eye anomalies), type A1 (MDDGA1). Also called: WALKER-WARBURG SYNDROME OR MUSCLE-EYE-BRAIN DISEASE, POMT1-RELATED; Hydrocephalus, agyria and retinal dysplasia; Hard +/- E syndrome; Warburg syndrome; Chemke syndrome; Pagon syndrome. Identifiers: Orphanet 588, Orphanet 899, MedGen C4284790, MONDO:0009364, OMIM 236670.
Muscular dystrophy-dystroglycanopathy (congenital without impaired intellectual development), type B, 5. Identifiers: MedGen C4016970.

Allele frequency attached by ClinVar (database versions not stated): gnomAD exomes below 0.00001 and 0.00001; ExAC 0.00001; gnomAD 0.00001; 1000 Genomes Project 30x 0.00016; 1000 Genomes Project 0.00020.
gnomAD v4.1: 3 of 1,601,034 alleles (0.00019%); highest among the groups gnomAD compares: South Asian, 0.0022%; no homozygotes.

Submissions (8):

Ambry Genetics
Classification: Pathogenic for Cardiovascular phenotype. Last evaluated: 2026-08-12. Review status: criteria provided, single submitter. Criteria: Ambry Variant Classification Scheme 2023. Collection method: clinical testing. Allele origin: germline.
Comment: The p.P448L pathogenic mutation (also known as c.1343C>T), located in coding exon 1 of the FKRP gene, results from a C to T substitution at nucleotide position 1343. The proline at codon 448 is replaced by leucine, an amino acid with similar properties. This variant has been identified in the homozygous state and/or in conjunction with other FKRP variant(s) in individual(s) with features consistent with FKRP-related dystroglycanopathies (Brockington M et al. Am J Hum Genet, 2001 Dec;69:1198-209; Ganapathy A et al. J Neurol, 2019 Aug;266:1919-1926; Nerakh G et al. J Pediatr Genet, 2021 Mar;10:23-28). Additionally, both in vitro and in vivo assays showed this alteration impacts protein function, including a homozygous knock-in mouse that showed this alteration almost completely lacks functional glycosylation of alpha-dystroglycan in muscles and brain (Esapa CT et al. Hum Mol Genet, 2002 Dec;11:3319-31; Esapa CT et al. Hum Mol Genet, 2005 Jan;14:295-305; Keramaris-Vrantsis E et al. Muscle Nerve, 2007 Oct;36:455-65; Lu PJ et al. Biochim Biophys Acta, 2010 Feb;1802:253-8; Chan YM et al. Hum Mol Genet, 2010 Oct;19:3995-4006; Maricelli JW et al. PLoS One, 2016 Sep;11:e0161984; Blaeser A et al. PLoS One, 2016 Oct;11:e0164187). This amino acid position is highly conserved in available vertebrate species. In addition, this alteration is predicted to be deleterious by in silico analysis. This variant is considered to be rare based on population cohorts in the Genome Aggregation Database (gnomAD). Based on the supporting evidence, this variant is interpreted as a disease-causing mutation.

Natera, Inc.
Classification: Likely pathogenic for Limb-girdle muscular dystrophy type 2I. Last evaluated: 2026-01-12. Review status: criteria provided, single submitter. Criteria: Natera Variant Classification Schema (03/2026). Collection method: clinical testing. Allele origin: germline.
Comment: The c.1343C>T variant in FKRP is a missense variant predicted to cause substitution of proline to leucine at amino acid 448. This variant is rare in the general population with a frequency below the threshold expected for the associated phenotype(s). This variant has been observed in one or more individuals affected with the associated recessive disease, as either homozygous or compound heterozygous with a second variant (PMID: 11592034, 12666124). This variant has been identified in one or more affected individual with a phenotype highly consistent with the associated gene (PMID:11592034). Functional studies show that this variant may disrupt protein function (PMID: 19900540). Computational prediction algorithms indicate this variant is likely to affect gene or protein function. Given the available evidence, this variant is classified as Likely Pathogenic.

Labcorp Genetics (formerly Invitae), Labcorp
Classification: Pathogenic for Walker-Warburg congenital muscular dystrophy. Last evaluated: 2025-11-24. Review status: criteria provided, single submitter. Criteria: Invitae Variant Classification Sherloc (09022015). Collection method: clinical testing. Allele origin: germline.
Comment: This sequence change replaces proline, which is neutral and non-polar, with leucine, which is neutral and non-polar, at codon 448 of the FKRP protein (p.Pro448Leu). This variant is present in population databases (rs104894681, gnomAD 0.007%). This missense change has been observed in individuals with muscular dystrophy (PMID: 11592034, 31069529). ClinVar contains an entry for this variant (Variation ID: 4220). Invitae Evidence Modeling of protein sequence and biophysical properties (such as structural, functional, and spatial information, amino acid conservation, physicochemical variation, residue mobility, and thermodynamic stability) indicates that this missense variant is expected to disrupt FKRP protein function with a positive predictive value of 95%. Experimental studies have shown that this missense change affects FKRP function (PMID: 12471058, 15574464, 19900540, 20675713, 27711214, 29858056, 30417025). For these reasons, this variant has been classified as Pathogenic.

Baylor Genetics
Classification: Likely pathogenic for Muscular dystrophy-dystroglycanopathy (congenital with brain and eye anomalies), type A5. Last evaluated: 2023-08-08. Review status: criteria provided, single submitter. Criteria: ACMG Guidelines, 2015. Collection method: clinical testing. Allele origin: unknown.

CeGaT Center for Human Genetics Tuebingen
Classification: Pathogenic. Last evaluated: 2023-05-01. Review status: criteria provided, single submitter. Criteria: CeGaT Center For Human Genetics Tuebingen Variant Classification Criteria Version 2. Collection method: clinical testing. Allele origin: germline. Affected: yes. Observed: 1 variant allele.
Comment: FKRP: PM3:Strong, PM2, PS3:Moderate, PP3, PP4

Fulgent Genetics
Classification: Likely pathogenic for Muscular dystrophy-dystroglycanopathy (congenital with brain and eye anomalies), type A1; Muscular dystrophy-dystroglycanopathy type B5; Autosomal recessive limb-girdle muscular dystrophy type 2I; Muscular dystrophy-dystroglycanopathy (congenital with brain and eye anomalies), type A5. Last evaluated: 2022-02-28. Review status: criteria provided, single submitter. Criteria: ACMG Guidelines, 2015. Collection method: clinical testing. Allele origin: unknown.

Eurofins Ntd Llc (ga)
Classification: Pathogenic. Last evaluated: 2017-12-14. Review status: criteria provided, single submitter. Criteria: EGL Classification Definitions 2015. Collection method: clinical testing. Allele origin: germline. Observed: 2 variant alleles, 2 heterozygotes.

OMIM
Classification: Pathogenic for MUSCULAR DYSTROPHY-DYSTROGLYCANOPATHY (CONGENITAL WITHOUT IMPAIRED INTELLECTUAL DEVELOPMENT), TYPE B, 5. Last evaluated: 2001-12-01. Review status: no assertion criteria provided. Collection method: literature only. Allele origin: germline. Not counted in ClinVar's aggregate classification.

Literature cited by the submitters: PubMed 11592034 (cited by 5 submitters); PubMed 12471058 (cited by 3 submitters); PubMed 15574464 (cited by 3 submitters); PubMed 17554798 (cited by Ambry Genetics and Eurofins Ntd Llc (ga)); PubMed 19900540 (cited by 4 submitters); PubMed 20675713 (cited by Ambry Genetics and Labcorp Genetics (formerly Invitae), Labcorp); PubMed 27627455 (cited by Ambry Genetics); PubMed 27711214 (cited by Ambry Genetics and Labcorp Genetics (formerly Invitae), Labcorp); PubMed 31069529 (cited by Ambry Genetics and Labcorp Genetics (formerly Invitae), Labcorp); PubMed 33552634 (cited by Ambry Genetics); PubMed 12666124 (cited by Natera, Inc.); PubMed 29858056 (cited by Labcorp Genetics (formerly Invitae), Labcorp); PubMed 30417025 (cited by Labcorp Genetics (formerly Invitae), Labcorp); PubMed 23591631 (cited by Eurofins Ntd Llc (ga)).

NM_024301.5(FKRP):c.1343C>T (p.Pro448Leu)

Gene: FKRP (fukutin related protein; plus strand). Cytogenetic location: 19q13.32.
Variant type: single nucleotide variant.
Coding change: c.1343C>T on transcript NM_024301.5 (MANE Select); coding-DNA position 1343, C replaced by T.
Protein change: p.Pro448Leu; replaces proline 448 with leucine.
Molecular consequence: missense variant.
Genome position (GRCh38, 1-based): chr19:46,756,793, C>T. VCF-style: chr19-46756793-C-T. GRCh37 (hg19) VCF-style: chr19-47260050-C-T.
Other names: c.1343C>T, p.Pro448Leu (NM_001039885.3); short protein forms P448L.
Identifiers: ClinVar variation 4220 (VCV000004220.45), dbSNP rs104894681, ClinGen allele CA116699.